The following is an entry in ClinVar:

ClinVar aggregate classification (germline): Pathogenic. Review status: reviewed by expert panel (3 of 4 stars). 21 submissions from 21 submitters: Pathogenic (1). 20 of the submissions do not count toward it. Last evaluated 2022-06-06.

Conditions:
GAMT-related disorder. Also called: GAMT-related condition.
Inborn genetic diseases. Identifiers: MedGen C0950123, MeSH D030342.
Cerebral creatine deficiency syndrome. Also called: Creatine deficiency syndromes. Identifiers: Orphanet 79172, MedGen C5244016, MONDO:0000456.
Deficiency of guanidinoacetate methyltransferase (CCDS2). Also called: CEREBRAL CREATINE DEFICIENCY SYNDROME 2; GAMT DEFICIENCY; Guanidinoacetate Methyltransferase (GAMT) Deficiency. Identifiers: Orphanet 382, MedGen C0574080, MONDO:0012999, OMIM 612736.

Allele frequency attached by ClinVar (database versions not stated): TOPMed 0.00012; ExAC 0.00013; 1000 Genomes Project 30x 0.00016; gnomAD 0.00017; gnomAD exomes 0.00019; 1000 Genomes Project 0.00020.
gnomAD v4.1: 706 of 1,562,540 alleles (0.045%); highest among the groups gnomAD compares: Non-Finnish European, 0.06%; no homozygotes.

Submissions 1 to 9 of 21:

ClinGen Cerebral Creatine Deficiency Syndromes Variant Curation Expert Panel, ClinGen
Classification: Pathogenic for Deficiency of guanidinoacetate methyltransferase. Last evaluated: 2022-06-06. Review status: reviewed by expert panel. Criteria: ClinGen_CCDS_ACMG_Specifications_GAMT_v1.1. Collection method: curation. Allele origin: germline. Inheritance: Autosomal recessive inheritance.
Comment: The NM_000156.6:c.327G>A (p.Lys109=) variant in GAMT is a synonymous variant that alters the last nucleotide of exon 2. It is one of the most common variants associated with GAMT deficiency, accounting for 31-35% of alleles (PMID: 19027335, 24268530). The variant has been previously reported in at least 30 unrelated GAMT deficiency patients, including among those with elevated urine guanidinoacetate, reduced or absent cerebral creatine peak on MRS (some of whom also have evidence of guanidinoacetate peak on MRS, and GAMT deficiency in fibroblasts (PMIDs: 8651275, 17171576, 19027335, 22019491, 23660394, 24268530, 24766785) (PP4_Strong) including at least 8 homozygotes (PMID: 8651275, 11978605, 19027335, 22019491, 24268530), and in compound heterozygosity with another variant that has been classified as pathogenic by the ClinGen CCDS VCEP including c.58dupT (PMID 24766785, confirmed in trans), c.297_c.309dup13 (PMID: 8651275, confirmed in trans; PMID: 19027335), c.522G>A (p.Trp174Ter) (PMID: 17171576, 19027335, 24268530; 3 probands), or c.36_c.37ins26 (PMID: 19027335) as well as c.133T>A (p.Trp45Arg) (PMID 24268530), and c.403G>A (p.Asp135Asn) (PMID 24268530) (PM3_VeryStrong). Additional patients may be reported in the literature but the maximum evidence for PM3_VeryStrong has already been reached. The highest population minor allele frequency in gnomAD v2.1.1 is 0.00039 (34/ 86230 alleles) in the European non-Finnish population, which is lower than the ClinGen CCDS VCEP’s threshold for PM2_Supporting (<0.0004), meeting this criterion (PM2_Supporting). The c.327G>A variant was shown by RT-PCR and RNA sequencing analysis to result in two abnormal transcripts: in one transcript, the variant resulted in a cryptic splice site in intron 2 and deletion of 146bp, and in the other transcript, the variant resulted in a 44bp insertion leading to altered splicing and skipping of exon 2 (PMID: 8651275) (PS3). It is predicted to alter splicing by SpliceAI (donor loss, score 0.93) and varSEAK (splicing class 5) (PP3). There is a ClinVar entry for this variant (Variation ID: 21065). In summary, this variant meets the criteria to be classified as Pathogenic for GAMT deficiency. GAMT-specific ACMG/AMP criteria met, based on the specifications of the ClinGen Cerebral Creatine Deficiencies VCEP (Specifications Version 1.1.0): PM3_VeryStrong, PS3, PP4_Strong, PP3, PM2_Supporting. (Classification approved by the ClinGen CCDS VCEP on June 6, 2022).

Wales Gene Park, Division Of Cancer and Genetics, Cardiff University
Classification: Pathogenic for Deficiency of guanidinoacetate methyltransferase. Last evaluated: 2026-04-28. Review status: criteria provided, single submitter. Criteria: ACGS Best Practice Guidelines for Variant Classification in Rare Disease 2024. Collection method: research. Allele origin: inherited. Inheritance: Autosomal recessive inheritance. Affected: yes. Study: 100,000 Genomes Project (Wales). Not counted in ClinVar's aggregate classification.
Comment: Low frequency in gnomAD (v4.1.1). Variant previously reported homozygous and compund heterozygous in patients with guanidinoacetate methyltransferase deficiency (PMID 8651275, 17171576, 19027335). Evidence codes: PVS1, PM2, PM3_verystrong.

Labcorp Genetics (formerly Invitae), Labcorp
Classification: Pathogenic for Cerebral creatine deficiency syndrome. Last evaluated: 2026-01-31. Review status: criteria provided, single submitter. Criteria: Invitae Variant Classification Sherloc (09022015). Collection method: clinical testing. Allele origin: germline. Not counted in ClinVar's aggregate classification.
Comment: This sequence change affects codon 109 of the GAMT mRNA. It is a 'silent' change, meaning that it does not change the encoded amino acid sequence of the GAMT protein. RNA analysis indicates that this variant induces altered splicing and may result in an absent or altered protein product. This variant is present in population databases (rs80338735, gnomAD 0.04%). This variant has been observed in individuals with guanidinoacetate methyltransferase deficiency (PMID: 2476685, 8651275, 22019491, 24415674). ClinVar contains an entry for this variant (Variation ID: 21065). Variants that disrupt the consensus splice site are a relatively common cause of aberrant splicing (PMID: 17576681, 9536098). Studies have shown that this variant results in an insertion of 44 nucleotides or a deletion of 146 nucleotides, and produces a non-functional protein and/or introduces a premature termination codon (PMID: 8651275). For these reasons, this variant has been classified as Pathogenic.

Dasa
Classification: Pathogenic. Last evaluated: 2026-01-16. Review status: criteria provided, single submitter. Criteria: DASA Assertion Criteria. Collection method: clinical testing. Allele origin: germline. Not counted in ClinVar's aggregate classification.
Comment: NM_000156.6(GAMT):c.327G>A (p.Lys109=) is a synonymous variant shown by functional studies to disrupt normal gene function through splicing or expression effects (PMID: 8651275). The variant has been recurrently observed in individuals with guanidinoacetate methyltransferase deficiency, often in trans with another pathogenic variant (PMID: 8651275, 11978605, 19027335). It is present at low frequency in population datasets. Based on the available data, this variant is classified as pathogenic.

Natera, Inc.
Classification: Pathogenic for Guanidinoacetate methyltransferase deficiency. Last evaluated: 2025-12-09. Review status: criteria provided, single submitter. Criteria: Natera Variant Classification Schema (03/2026). Collection method: clinical testing. Allele origin: germline. Not counted in ClinVar's aggregate classification.
Comment: The c.327G>A variant in GAMT is a synonymous variant that does not alter the encoded amino acid at position 109 (p.K109=). This variant has been observed in one or more individuals affected with the associated recessive disease, as either homozygous or compound heterozygous with a second variant (PMID: 23660394). Given the available evidence, this variant is classified as Pathogenic.

Institute of Human Genetics, University of Leipzig Medical Center
Classification: Pathogenic for Deficiency of guanidinoacetate methyltransferase. Last evaluated: 2025-04-09. Review status: criteria provided, single submitter. Criteria: ACMG Guidelines, 2015. Collection method: clinical testing. Allele origin: unknown. Inheritance: Autosomal recessive inheritance. Affected: yes. Not counted in ClinVar's aggregate classification.
Comment: Criteria applied: PM3_VSTR,PS3,PP4_STR,PM2_SUP,PP3; Identified as compund heterozygous with NM_000156.6:c.299_311dup

Blueprint Genetics
Classification: Pathogenic for GAMT-related disorders. Last evaluated: 2024-08-08. Review status: criteria provided, single submitter. Criteria: ACMG Guidelines, 2015. Collection method: clinical testing. Allele origin: germline. Affected: yes. Observed: 5 variant alleles. Not counted in ClinVar's aggregate classification.

Fulgent Genetics
Classification: Pathogenic for Deficiency of guanidinoacetate methyltransferase. Last evaluated: 2024-06-03. Review status: criteria provided, single submitter. Criteria: ACMG Guidelines, 2015. Collection method: clinical testing. Allele origin: germline. Not counted in ClinVar's aggregate classification.

Ambry Genetics
Classification: Pathogenic for Inborn genetic diseases. Last evaluated: 2024-03-18. Review status: criteria provided, single submitter. Criteria: Ambry Variant Classification Scheme 2023. Collection method: clinical testing. Allele origin: germline. Not counted in ClinVar's aggregate classification.
Comment: The c.327G>A (p.K109K) alteration is located in coding exon 2 of the GAMT gene. This alteration consists of a G to A substitution at nucleotide position 327. This nucleotide substitution does not change the lysine at codon 109. However, this change occurs in the last base pair of coding exon 2, which makes it likely to have some effect on normal mRNA splicing. Based on data from the Genome Aggregation Database (gnomAD) database, the GAMT c.327G>A alteration was observed in 0.02% (38/204352) of total alleles studied, with a frequency of 0.04% (34/86230) in the European (non-Finnish) subpopulation. This mutation was identified in 30/82 alleles in a cohort of individuals with guanidinoacetate methyltransferase deficiency including numerous homozygous individuals (Stockler-Ipsiroglu, 2014). This alteration was detected in the homozygous state, and in conjunction with another alteration in GAMT, in multiple other individuals with GAMT-related cerebral creatine deficiency syndrome (Mercimek-Mahmutoglu, 2006; Morris, 2007; Yolda, 2021; Kritioti, 2021; Libell, 2023). This nucleotide position is well conserved in available vertebrate species. In silico splice site analysis predicts that this alteration will weaken the native splice donor site. Based on the available evidence, this alteration is classified as pathogenic.

NM_000156.6(GAMT):c.327G>A (p.Lys109=)

Gene: GAMT (guanidinoacetate N-methyltransferase; minus strand). Cytogenetic location: 19p13.3.
Variant type: single nucleotide variant.
Coding change: c.327G>A on transcript NM_000156.6 (MANE Select); coding-DNA position 327, G replaced by A.
Protein change: p.Lys109=; no amino-acid change (lysine 109 retained).
Molecular consequence: synonymous variant.
Genome position (GRCh38, 1-based): chr19:1,399,793, C>T on the plus strand (G>A on the coding strand, the complement: GAMT is on the minus strand). VCF-style: chr19-1399793-C-T. GRCh37 (hg19) VCF-style: chr19-1399792-C-T.
Other names: p.K109K:AAG>AAA; NM_000156.6(GAMT):c.327G>A; p.Lys109=; IVS2DS, G-A, -1; c.327G>A, p.Lys109= (NM_138924.3); c.327G>A (NM_138924.2).
Identifiers: ClinVar variation 21065 (VCV000021065.72), dbSNP rs80338735, ClinGen allele CA314804.